The following is an entry in ClinVar:

NM_001127222.2(CACNA1A):c.736G>A (p.Glu246Lys)

Gene: CACNA1A (calcium voltage-gated channel subunit alpha1 A; minus strand). Cytogenetic location: 19p13.13.
Variant type: single nucleotide variant.
Coding change: c.736G>A on transcript NM_001127222.2 (MANE Select); coding-DNA position 736, G replaced by A.
Protein change: p.Glu246Lys; replaces glutamic acid 246 with lysine.
Molecular consequence: missense variant.
Genome position (GRCh38, 1-based): chr19:13,365,365, C>T on the plus strand (G>A on the coding strand, the complement: CACNA1A is on the minus strand). VCF-style: chr19-13365365-C-T. GRCh37 (hg19) VCF-style: chr19-13476179-C-T.
Other names: c.736G>A, p.Glu246Lys (NM_000068.4, NM_001127221.2, NM_001174080.2 and 1 more transcripts); short protein forms E246K.
Identifiers: ClinVar variation 1879426 (VCV001879426.30), dbSNP rs2513175466, ClinGen allele CA404348434.

ClinVar aggregate classification (germline): Conflicting classifications of pathogenicity. Review status: criteria provided, conflicting classifications (1 of 4 stars). 2 submissions from 2 submitters: Likely pathogenic (1); Uncertain significance (1). Last evaluated 2025-04-09.

Conditions:
Episodic ataxia type 2 (EA2). Also called: ACETAZOLAMIDE-RESPONSIVE HEREDITARY PAROXYSMAL CEREBELLAR ATAXIA; EPISODIC ATAXIA, NYSTAGMUS-ASSOCIATED; ATAXIA, EPISODIC, WITH NYSTAGMUS; ATAXIA, FAMILIAL PAROXYSMAL; CEREBELLAR ATAXIA, PAROXYSMAL, ACETAZOLAMIDE-RESPONSIVE; CEREBELLOPATHY, HEREDITARY PAROXYSMAL. Identifiers: Orphanet 97, MedGen C1720416, MONDO:0007163, OMIM 108500.
Developmental and epileptic encephalopathy, 42 (DEE42A). Also called: Epileptic encephalopathy, early infantile, 42; DEVELOPMENTAL AND EPILEPTIC ENCEPHALOPATHY 42A; EPILEPTIC ENCEPHALOPATHY, EARLY INFANTILE, 42A. Identifiers: MedGen C4310716, MONDO:0014917, OMIM 617106.

Submissions (2):

Labcorp Genetics (formerly Invitae), Labcorp
Classification: Uncertain significance for Developmental and epileptic encephalopathy, 42; Episodic ataxia type 2. Last evaluated: 2025-04-09. Review status: criteria provided, single submitter. Criteria: Invitae Variant Classification Sherloc (09022015). Collection method: clinical testing. Allele origin: germline.
Comment: This sequence change replaces glutamic acid, which is acidic and polar, with lysine, which is basic and polar, at codon 246 of the CACNA1A protein (p.Glu246Lys). This variant is not present in population databases (gnomAD no frequency). This missense change has been observed in individual(s) with developmental and epileptic encephalopathy (PMID: 36896643). ClinVar contains an entry for this variant (Variation ID: 1879426). Invitae Evidence Modeling of protein sequence and biophysical properties (such as structural, functional, and spatial information, amino acid conservation, physicochemical variation, residue mobility, and thermodynamic stability) indicates that this missense variant is expected to disrupt CACNA1A protein function with a positive predictive value of 95%. In summary, the available evidence is currently insufficient to determine the role of this variant in disease. Therefore, it has been classified as a Variant of Uncertain Significance.

CeGaT Center for Human Genetics Tuebingen
Classification: Likely pathogenic. Last evaluated: 2022-11-01. Review status: criteria provided, single submitter. Criteria: CeGaT Center For Human Genetics Tuebingen Variant Classification Criteria Version 2. Collection method: clinical testing. Allele origin: germline. Affected: yes. Observed: 1 variant allele.
Comment: CACNA1A: PM1, PM2, PP2, PP3

Literature cited by the submitters: PubMed 36896643 (cited by Labcorp Genetics (formerly Invitae), Labcorp).